The following is an entry in ClinVar:

ClinVar aggregate classification (germline): Pathogenic (1 of 4 stars; one submission).

Submission:

ISCA Site 6
Classification: Pathogenic. Last evaluated: 2011-08-12. Review status: criteria provided, single submitter. Criteria: Kaminsky et al. (Genet Med. 2011). Collection method: clinical testing. Allele origin: de novo. Affected: yes. Observed: 2 variant alleles.
Comment: Copy number variation identified through the course of routine clinical cytogenomic testing in postnatal populations. Clinical assertions have been curated as described in Kaminsky et al. 2011.

GRCh38/hg38 22q11.21(chr22:18339130-21040441)x1

Genes: AIFM3 (AIF family member 3; plus strand), ARVCF (ARVCF delta catenin family member; minus strand), C22orf39 (chromosome 22 open reading frame 39; minus strand), CCDC188 (coiled-coil domain containing 188; minus strand), CDC45 (cell division cycle 45; plus strand) and 183 more. Cytogenetic location: 22q11.21.
Variant type: copy number loss.
Change: copy number 1 (one copy instead of two) of chr22:18,339,130-21,040,441 (2.70 Mb, GRCh38 coordinates, 1-based), cytogenetic band 22q11.21.
Identifiers: ClinVar variation 57592 (VCV000057592.2).